The following is an entry in ClinVar:

NM_018406.7(MUC4):c.15885G>A (p.Thr5295=)

Gene: MUC4 (mucin 4, cell surface associated). Cytogenetic location: 3q29.
Variant type: single nucleotide variant.
Coding change: c.15885G>A on transcript NM_018406.7 (MANE Select); coding-DNA position 15885, G replaced by A.
Protein change: p.Thr5295=; no amino-acid change (threonine 5295 retained).
Molecular consequence: synonymous variant.
Genome position (GRCh38, 1-based): chr3:195,749,051, C>T on the plus strand (G>A on the coding strand, the complement: MUC4 is on the minus strand). VCF-style: chr3-195749051-C-T. GRCh37 (hg19) VCF-style: chr3-195475922-C-T.
Other names: c.3177G>A, p.Thr1059= (NM_004532.6); c.3024G>A, p.Thr1008= (NM_138297.5).
Identifiers: ClinVar variation 4534189 (VCV004534189.6).

ClinVar aggregate classification (germline): Likely benign (1 of 4 stars; one submission).

gnomAD v4.1: 37 of 1,606,846 alleles (0.0023%); highest among the groups gnomAD compares: East Asian, 0.045%; no homozygotes.

Submission:

CeGaT Center for Human Genetics Tuebingen
Classification: Likely benign. Last evaluated: 2025-10-01. Review status: criteria provided, single submitter. Criteria: CeGaT Center For Human Genetics Tuebingen Variant Classification Criteria Version 2. Collection method: clinical testing. Allele origin: germline. Affected: yes. Observed: 1 variant allele.
Comment: MUC4: BP4, BP7